The following is an entry in ClinVar:

NM_000455.5(STK11):c.432G>A (p.Pro144=)

Gene: STK11 (serine/threonine kinase 11; plus strand). Cytogenetic location: 19p13.3.
Variant type: single nucleotide variant.
Coding change: c.432G>A on transcript NM_000455.5 (MANE Select); coding-DNA position 432, G replaced by A.
Protein change: p.Pro144=; no amino-acid change (proline 144 retained).
Molecular consequence: synonymous variant.
Genome position (GRCh38, 1-based): chr19:1,219,381, G>A. VCF-style: chr19-1219381-G-A. GRCh37 (hg19) VCF-style: chr19-1219380-G-A.
Other names: p.Pro144=.
Identifiers: ClinVar variation 183815 (VCV000183815.33), dbSNP rs376788924, ClinGen allele CA022934.

ClinVar aggregate classification (germline): Benign/Likely benign. Review status: criteria provided, multiple submitters, no conflicts (2 of 4 stars). 16 submissions from 16 submitters: Benign (4); Likely benign (10). 2 of the submissions do not count toward it. Last evaluated 2026-01-19.

Conditions:
STK11-related disorder. Also called: STK11-related condition.
Hereditary cancer-predisposing syndrome. Also called: Tumor predisposition; Neoplastic Syndromes, Hereditary; Hereditary neoplastic syndrome; Hereditary Cancer Syndrome. Identifiers: Orphanet 140162, MedGen C0027672, MeSH D009386, MONDO:0015356.
Peutz-Jeghers syndrome (PJS). Also called: Peutz-Jeghers polyposis; Periorificial lentiginosis syndrome; POLYPOSIS, HAMARTOMATOUS INTESTINAL; POLYPS-AND-SPOTS SYNDROME. Identifiers: Orphanet 2869, MedGen C0031269, MeSH D010580, MONDO:0008280, OMIM 175200.

Allele frequency attached by ClinVar (database versions not stated): gnomAD 0.00004 and 0.00005; gnomAD exomes 0.00005; TOPMed 0.00006; ESP Exome Variant Server 0.00008; 1000 Genomes Project 30x 0.00016; 1000 Genomes Project 0.00020.
gnomAD v4.1: 49 of 1,598,386 alleles (0.0031%); highest among the groups gnomAD compares: Middle Eastern, 0.017%; no homozygotes.

Submissions (16):

Labcorp Genetics (formerly Invitae), Labcorp
Classification: Likely benign for Peutz-Jeghers syndrome. Last evaluated: 2026-01-19. Review status: criteria provided, single submitter. Criteria: Invitae Variant Classification Sherloc (09022015). Collection method: clinical testing. Allele origin: germline.

Center for Genomic Medicine, Rigshospitalet, Copenhagen University Hospital
Classification: Likely benign. Last evaluated: 2025-12-29. Review status: criteria provided, single submitter. Criteria: ACMG Guidelines, 2015. Collection method: clinical testing. Allele origin: germline.

Mayo Clinic Laboratories, Mayo Clinic
Classification: Likely benign. Last evaluated: 2025-07-10. Review status: criteria provided, single submitter. Criteria: ACMG Guidelines, 2015. Collection method: clinical testing. Allele origin: germline. Observed: 2 variant alleles.
Comment: BS1, BP4, BP7

Quest Diagnostics Nichols Institute San Juan Capistrano
Classification: Benign. Last evaluated: 2025-01-20. Review status: criteria provided, single submitter. Criteria: Quest Diagnostics criteria. Collection method: clinical testing. Allele origin: unknown.

All of Us Research Program, National Institutes of Health
Classification: Likely benign for Peutz-Jeghers syndrome. Last evaluated: 2023-12-13. Review status: criteria provided, single submitter. Criteria: ACMG Guidelines, 2015. Collection method: clinical testing. Allele origin: germline. Inheritance: Autosomal dominant inheritance. Observed: 9 variant alleles, 9 heterozygotes.
Comment: This study involves interpretation of variants in research participants for the purpose of population health screening. Participant phenotype was not available at the time of variant classification. Additional details can be found in publication PMID: 35346344, PMCID: PMC8962531

Myriad Genetics, Inc.
Classification: Benign for Peutz-Jeghers syndrome. Last evaluated: 2023-04-13. Review status: criteria provided, single submitter. Criteria: Myriad Autosomal Dominant, Autosomal Recessive and X-Linked Classification Criteria (2023). Collection method: clinical testing. Allele origin: unknown.
Comment: This variant is considered benign. This variant is a silent/synonymous amino acid change and it is not expected to impact splicing.

Women's Health and Genetics/Laboratory Corporation of America, LabCorp
Classification: Benign. Last evaluated: 2023-04-07. Review status: criteria provided, single submitter. Criteria: LabCorp Variant Classification Summary - May 2015. Collection method: clinical testing. Allele origin: germline.

Blueprint Genetics
Classification: Benign. Last evaluated: 2023-01-17. Review status: criteria provided, single submitter. Criteria: ACMG Guidelines, 2015. Collection method: clinical testing. Allele origin: germline.

Department of Pathology and Laboratory Medicine, Sinai Health System
Classification: Likely benign for Peutz-Jeghers syndrome. Last evaluated: 2022-08-29. Review status: criteria provided, single submitter. Criteria: ACMG Guidelines, 2015. Collection method: clinical testing. Allele origin: germline. Affected: yes.

Sema4
Classification: Likely benign for Hereditary cancer-predisposing syndrome. Last evaluated: 2021-08-19. Review status: criteria provided, single submitter. Criteria: Sema4 Curation Guidelines. Collection method: curation. Allele origin: germline.

Genome-Nilou Lab
Classification: Likely benign for Peutz-Jeghers syndrome. Last evaluated: 2021-07-15. Review status: criteria provided, single submitter. Criteria: ACMG Guidelines, 2015. Collection method: clinical testing. Allele origin: germline. Affected: no.

GeneDx
Classification: Likely benign. Last evaluated: 2019-10-08. Review status: criteria provided, single submitter. Criteria: GeneDx Variant Classification Process June 2021. Collection method: clinical testing. Allele origin: germline. Affected: yes.

Color Diagnostics, LLC DBA Color Health
Classification: Likely benign for Hereditary cancer-predisposing syndrome. Last evaluated: 2016-11-22. Review status: criteria provided, single submitter. Criteria: ACMG Guidelines, 2015. Collection method: clinical testing. Allele origin: germline.

Ambry Genetics
Classification: Likely benign for Hereditary cancer-predisposing syndrome. Last evaluated: 2015-06-30. Review status: criteria provided, single submitter. Criteria: Ambry Variant Classification Scheme 2023. Collection method: clinical testing. Allele origin: germline.

PreventionGenetics, part of Exact Sciences
Classification: Likely benign for STK11-related condition. Last evaluated: 2019-06-17. Review status: no assertion criteria provided. Collection method: clinical testing. Allele origin: germline. Not counted in ClinVar's aggregate classification.
Comment: This variant is classified as likely benign based on ACMG/AMP sequence variant interpretation guidelines (Richards et al. 2015 PMID: 25741868, with internal and published modifications).

Counsyl
Classification: Likely benign for Peutz-Jeghers syndrome. Last evaluated: 2016-09-16. Review status: no assertion criteria provided. Collection method: clinical testing. Allele origin: unknown. Not counted in ClinVar's aggregate classification.